The following is an entry in ClinVar:

NM_001034850.3(RETREG1):c.1010G>A (p.Arg337Gln)

Gene: RETREG1 (reticulophagy regulator 1; minus strand). Cytogenetic location: 5p15.1.
Variant type: single nucleotide variant.
Coding change: c.1010G>A on transcript NM_001034850.3 (MANE Select); coding-DNA position 1010, G replaced by A.
Protein change: p.Arg337Gln; replaces arginine 337 with glutamine.
Molecular consequence: missense variant.
Genome position (GRCh38, 1-based): chr5:16,475,225, C>T on the plus strand (G>A on the coding strand, the complement: RETREG1 is on the minus strand). VCF-style: chr5-16475225-C-T. GRCh37 (hg19) VCF-style: chr5-16475334-C-T.
Other names: c.587G>A, p.Arg196Gln (NM_019000.5); short protein forms R196Q, R337Q.
Identifiers: ClinVar variation 1411366 (VCV001411366.8), dbSNP rs1738485048, ClinGen allele CA359256913.

ClinVar aggregate classification (germline): Uncertain significance (1 of 4 stars; one submission).

Allele frequency attached by ClinVar (database versions not stated): gnomAD exomes below 0.00001; gnomAD 0.00001.
gnomAD v4.1: 4 of 1,611,820 alleles (0.00025%); highest among the groups gnomAD compares: Admixed American, 0.0017%; no homozygotes.

Submission:

Labcorp Genetics (formerly Invitae), Labcorp
Classification: Uncertain significance. Last evaluated: 2021-05-05. Review status: criteria provided, single submitter. Criteria: Invitae Variant Classification Sherloc (09022015). Collection method: clinical testing. Allele origin: germline.
Comment: In summary, the available evidence is currently insufficient to determine the role of this variant in disease. Therefore, it has been classified as a Variant of Uncertain Significance. Algorithms developed to predict the effect of missense changes on protein structure and function (SIFT, PolyPhen-2, Align-GVGD) all suggest that this variant is likely to be disruptive, but these predictions have not been confirmed by published functional studies and their clinical significance is uncertain. This variant has not been reported in the literature in individuals with RETREG1-related conditions. This variant is not present in population databases (ExAC no frequency). This sequence change replaces arginine with glutamine at codon 337 of the RETREG1 protein (p.Arg337Gln). The arginine residue is highly conserved and there is a small physicochemical difference between arginine and glutamine.